The following is an entry in ClinVar:

NM_001387430.1(SH2B1):c.66G>C (p.Pro22=)

Gene: SH2B1 (SH2B adaptor protein 1; plus strand). Cytogenetic location: 16p11.2.
Variant type: single nucleotide variant.
Coding change: c.66G>C on transcript NM_001387430.1 (MANE Select); coding-DNA position 66, G replaced by C.
Protein change: p.Pro22=; no amino-acid change (proline 22 retained).
Molecular consequence: synonymous variant. On other transcripts: intron variant (1).
Genome position (GRCh38, 1-based): chr16:28,866,160, G>C. VCF-style: chr16-28866160-G-C. GRCh37 (hg19) VCF-style: chr16-28877481-G-C.
Other names: c.66G>C, p.Pro22= (NM_001145795.2, NM_001145796.2, NM_001145797.2 and 4 more transcripts); c.-26-1214G>C (NM_001308294.2).
Identifiers: ClinVar variation 765123 (VCV000765123.8), dbSNP rs945365382, ClinGen allele CA494486613.

ClinVar aggregate classification (germline): Likely benign. Review status: criteria provided, multiple submitters, no conflicts (2 of 4 stars). 4 submissions from 4 submitters: Likely benign (3). 1 of the submissions does not count toward it. Last evaluated 2024-11-07.

Conditions:
SH2B1-related disorder. Also called: SH2B1-related condition.

Submissions (4):

Blueprint Genetics
Classification: Likely benign. Last evaluated: 2024-11-07. Review status: criteria provided, single submitter. Criteria: ACMG Guidelines, 2015. Collection method: clinical testing. Allele origin: germline.

Labcorp Genetics (formerly Invitae), Labcorp
Classification: Likely benign. Last evaluated: 2019-12-31. Review status: criteria provided, single submitter. Criteria: Invitae Variant Classification Sherloc (09022015). Collection method: clinical testing. Allele origin: germline.

Breakthrough Genomics
Classification: Likely benign. Review status: criteria provided, single submitter. Criteria: ACMG Guidelines, 2015. Collection method: not provided. Allele origin: germline. Inheritance: Unknown mechanism. Affected: yes.

PreventionGenetics, part of Exact Sciences
Classification: Likely benign for SH2B1-related condition. Last evaluated: 2021-11-04. Review status: no assertion criteria provided. Collection method: clinical testing. Allele origin: germline. Not counted in ClinVar's aggregate classification.
Comment: This variant is classified as likely benign based on ACMG/AMP sequence variant interpretation guidelines (Richards et al. 2015 PMID: 25741868, with internal and published modifications).